The following is an entry in ClinVar:

NM_000051.4(ATM):c.1487_1489del (p.Ser496_Ser497delinsThr)

Gene: ATM (ATM serine/threonine kinase; plus strand). Cytogenetic location: 11q22.3.
Variant type: Deletion.
Coding change: c.1487_1489del on transcript NM_000051.4 (MANE Select); coding-DNA positions 1487 to 1489, 3 bases deleted (GTT; older notation c.1487_1489delGTT).
Protein change: p.Ser496_Ser497delinsThr.
Molecular consequence: inframe indel.
Genome position (GRCh38, 1-based): chr11:108,250,952-108,250,954, GTT deleted. VCF-style (leftmost placement, unchanged base first): chr11-108250951-AGTT-A. GRCh37 (hg19) VCF-style: chr11-108121678-AGTT-A.
Other names: c.1487_1489del, p.Ser496_Ser497delinsThr (NM_001351834.2).
Identifiers: ClinVar variation 1011230 (VCV001011230.9), dbSNP rs2080111322, ClinGen allele CA1998770935.

ClinVar aggregate classification (germline): Uncertain significance. Review status: criteria provided, multiple submitters, no conflicts (2 of 4 stars). 2 submissions from 2 submitters: Uncertain significance (2). Last evaluated 2025-12-27.

Conditions:
Ataxia-telangiectasia syndrome (AT). Also called: Cerebello-oculocutaneous telangiectasia; Immunodeficiency with ataxia telangiectasia; ATAXIA-TELANGIECTASIA, COMPLEMENTATION GROUP A; ATAXIA-TELANGIECTASIA, FRESNO VARIANT; LOUIS-BAR SYNDROME; Ataxia-telangiectasia, complementation group E. Identifiers: Orphanet 100, MedGen C0004135, MONDO:0008840, OMIM 208900.
Hereditary cancer-predisposing syndrome. Also called: Tumor predisposition; Hereditary Cancer Syndrome; Neoplastic Syndromes, Hereditary; Hereditary neoplastic syndrome. Identifiers: Orphanet 140162, MedGen C0027672, MeSH D009386, MONDO:0015356.

Submissions (2):

Labcorp Genetics (formerly Invitae), Labcorp
Classification: Uncertain significance for Ataxia-telangiectasia syndrome. Last evaluated: 2025-12-27. Review status: criteria provided, single submitter. Criteria: Invitae Variant Classification Sherloc (09022015). Collection method: clinical testing. Allele origin: germline.
Comment: This variant, c.1487_1489del, is a complex sequence change that results in the deletion of 2 and insertion of 1 amino acid(s) in the ATM protein (p.Ser496_Ser497delinsThr). This variant is not present in population databases (gnomAD no frequency). This variant has not been reported in the literature in individuals affected with ATM-related conditions. ClinVar contains an entry for this variant (Variation ID: 1011230). Experimental studies and prediction algorithms are not available or were not evaluated, and the functional significance of this variant is currently unknown. In summary, the available evidence is currently insufficient to determine the role of this variant in disease. Therefore, it has been classified as a Variant of Uncertain Significance.

Color Diagnostics, LLC DBA Color Health
Classification: Uncertain significance for Hereditary cancer-predisposing syndrome. Last evaluated: 2021-05-05. Review status: criteria provided, single submitter. Criteria: ACMG Guidelines, 2015. Collection method: clinical testing. Allele origin: germline.
Comment: This variant replaces 2 amino acids at codon 496 and 497 of the ATM protein with a new amino acid. To our knowledge, functional studies have not been reported for this variant. This variant has not been reported in individuals affected with hereditary cancer in the literature. This variant has not been identified in the general population by the Genome Aggregation Database (gnomAD). The available evidence is insufficient to determine the role of this variant in disease conclusively. Therefore, this variant is classified as a Variant of Uncertain Significance.